The following is an entry in ClinVar:

NM_003072.5(SMARCA4):c.2046G>A (p.Leu682=)

Gene: SMARCA4 (SWI/SNF related BAF chromatin remodeling complex subunit ATPase 4; plus strand). Cytogenetic location: 19p13.2.
Variant type: single nucleotide variant.
Coding change: c.2046G>A on transcript NM_003072.5 (MANE Select); coding-DNA position 2046, G replaced by A.
Protein change: p.Leu682=; no amino-acid change (leucine 682 retained).
Molecular consequence: synonymous variant. On other transcripts: non-coding transcript variant (1).
Genome position (GRCh38, 1-based): chr19:11,007,946, G>A. VCF-style: chr19-11007946-G-A. GRCh37 (hg19) VCF-style: chr19-11118622-G-A.
Other names: c.2046G>A, p.Leu682= (NM_001128844.3, NM_001128845.2, NM_001128846.2 and 6 more transcripts).
Identifiers: ClinVar variation 2911325 (VCV002911325.4), dbSNP rs1555771596, ClinGen allele CA505486770.
Genomic context (GRCh38, chr19:11,007,946, plus strand): 5'-GCTTGTCTCTTGGTAGGAGGAGGAGGAAGAGCAGCCGCAGGCAGCACAGCCTCCCACCCT[G>A]CCCGTGGAGGAGAAGAAGAAGATTCCAGATCCAGACAGCGATGACGTCTCTGAGGTGGAC-3'
Protein context (NP_003063.2, residues 672-692): EQPQAAQPPT[Leu682=]PVEEKKKIPD

ClinVar aggregate classification (germline): Benign/Likely benign. Review status: criteria provided, multiple submitters, no conflicts (2 of 4 stars). 2 submissions from 2 submitters: Benign (1); Likely benign (1). Last evaluated 2026-07-13.

Conditions:
Rhabdoid tumor predisposition syndrome 2 (RTPS2). Identifiers: Orphanet 231108, Orphanet 69077, MedGen C2750074, MONDO:0013224, OMIM 613325.

Allele frequency attached by ClinVar (database versions not stated): TOPMed below 0.00001; gnomAD 0.00001.
gnomAD v4.1: 2 of 1,613,616 alleles (0.00012%); highest among the groups gnomAD compares: African/African-American, 0.0027%; no homozygotes.

Submissions (2):

Myriad Genetics, Inc.
Classification: Benign for Rhabdoid tumor predisposition syndrome 2. Last evaluated: 2026-07-13. Review status: criteria provided, single submitter. Criteria: Myriad Autosomal Dominant, Autosomal Recessive and X-Linked Classification Criteria (2023). Collection method: clinical testing. Allele origin: unknown.
Comment: This variant is considered benign. This variant is a silent/synonymous amino acid change and it is not expected to impact splicing.

Labcorp Genetics (formerly Invitae), Labcorp
Classification: Likely benign for Rhabdoid tumor predisposition syndrome 2. Last evaluated: 2023-03-22. Review status: criteria provided, single submitter. Criteria: Invitae Variant Classification Sherloc (09022015). Collection method: clinical testing. Allele origin: germline.